The following is an entry in ClinVar:

NM_002890.3(RASA1):c.2527A>G (p.Thr843Ala)

Genes: CCNH (cyclin H; minus strand), RASA1 (RAS p21 protein activator 1; plus strand). Cytogenetic location: 5q14.3.
Variant type: single nucleotide variant.
Coding change: c.2527A>G on transcript NM_002890.3 (MANE Select); coding-DNA position 2527, A replaced by G.
Protein change: p.Thr843Ala; replaces threonine 843 with alanine.
Molecular consequence: missense variant. On other transcripts: intron variant (1).
Genome position (GRCh38, 1-based): chr5:87,379,774, A>G. VCF-style: chr5-87379774-A-G. GRCh37 (hg19) VCF-style: chr5-86675591-A-G.
Other names: c.1996A>G, p.Thr666Ala (NM_022650.3); c.933+15270T>C (NM_001364075.2); short protein forms T666A, T843A.
Identifiers: ClinVar variation 2977815 (VCV002977815.3), dbSNP rs756674425, ClinGen allele CA3336017.

ClinVar aggregate classification (germline): Uncertain significance (1 of 4 stars; one submission).

Conditions:
Capillary malformation-arteriovenous malformation syndrome. Also called: Capillary malformation-arteriovenous malformation. Identifiers: Orphanet 137667, MedGen C1842180, MONDO:0012016.

Allele frequency attached by ClinVar (database versions not stated): ExAC 0.00002; gnomAD exomes below 0.00001; gnomAD 0.00002.
gnomAD v4.1: 5 of 1,612,632 alleles (0.00031%); no homozygotes.

Submission:

Labcorp Genetics (formerly Invitae), Labcorp
Classification: Uncertain significance for Capillary malformation-arteriovenous malformation syndrome. Last evaluated: 2023-12-10. Review status: criteria provided, single submitter. Criteria: Invitae Variant Classification Sherloc (09022015). Collection method: clinical testing. Allele origin: germline.
Comment: This sequence change replaces threonine, which is neutral and polar, with alanine, which is neutral and non-polar, at codon 843 of the RASA1 protein (p.Thr843Ala). This variant is present in population databases (rs756674425, gnomAD 0.01%). This variant has not been reported in the literature in individuals affected with RASA1-related conditions. An algorithm developed to predict the effect of missense changes on protein structure and function (PolyPhen-2) suggests that this variant is likely to be tolerated. In summary, the available evidence is currently insufficient to determine the role of this variant in disease. Therefore, it has been classified as a Variant of Uncertain Significance.